The following is an entry in ClinVar:

ClinVar aggregate classification (germline): Uncertain significance (1 of 4 stars; one submission).

Conditions:
Inborn genetic diseases. Identifiers: MedGen C0950123, MeSH D030342.

Submission:

Ambry Genetics
Classification: Uncertain significance for Inborn genetic diseases. Last evaluated: 2025-07-25. Review status: criteria provided, single submitter. Criteria: Ambry Variant Classification Scheme 2023. Collection method: clinical testing. Allele origin: germline.
Comment: The p.K191N variant (also known as c.573G>C), located in coding exon 4 of the ANKRD26 gene, results from a G to C substitution at nucleotide position 573. The lysine at codon 191 is replaced by asparagine, an amino acid with similar properties. This amino acid position is conserved. In addition, this alteration is predicted to be tolerated by in silico analysis. Based on the available evidence, the clinical significance of this variant remains unclear.

NM_014915.3(ANKRD26):c.573G>C (p.Lys191Asn)

Gene: ANKRD26 (ankyrin repeat domain containing 26; minus strand). Cytogenetic location: 10p12.1.
Variant type: single nucleotide variant.
Coding change: c.573G>C on transcript NM_014915.3 (MANE Select); coding-DNA position 573, G replaced by C.
Protein change: p.Lys191Asn; replaces lysine 191 with asparagine.
Molecular consequence: missense variant.
Genome position (GRCh38, 1-based): chr10:27,092,471, C>G on the plus strand (G>C on the coding strand, the complement: ANKRD26 is on the minus strand). VCF-style: chr10-27092471-C-G. GRCh37 (hg19) VCF-style: chr10-27381400-C-G.
Other names: c.573G>C, p.Lys191Asn (NM_001256053.2); short protein forms K191N.
Identifiers: ClinVar variation 4103787 (VCV004103787.1).